The following is an entry in ClinVar:

ClinVar aggregate classification (germline): Likely benign (1 of 4 stars; one submission).

Conditions:
SPTBN1-related disorder. Also called: SPTBN1-related condition.

gnomAD v4.1: 48 of 1,614,078 alleles (0.003%); highest among the groups gnomAD compares: South Asian, 0.022%; no homozygotes.

Submission:

PreventionGenetics, part of Exact Sciences
Classification: Likely benign for SPTBN1-related condition. Last evaluated: 2025-02-05. Review status: criteria provided, single submitter. Criteria: ACMG Guidelines, 2015. Collection method: clinical testing. Allele origin: germline.
Comment: This variant is classified as likely benign based on ACMG/AMP sequence variant interpretation guidelines (Richards et al. 2015 PMID: 25741868, with internal and published modifications).

NM_003128.3(SPTBN1):c.84C>T (p.Asp28=)

Genes: SPTBN1 (spectrin beta, non-erythrocytic 1; plus strand), SPTBN1-AS1 (SPTBN1 antisense RNA 1; minus strand). Cytogenetic location: 2p16.2.
Variant type: single nucleotide variant.
Coding change: c.84C>T on transcript NM_003128.3 (MANE Select); coding-DNA position 84, C replaced by T.
Protein change: p.Asp28=; no amino-acid change (aspartic acid 28 retained).
Molecular consequence: synonymous variant.
Genome position (GRCh38, 1-based): chr2:54,526,502, C>T. VCF-style: chr2-54526502-C-T. GRCh37 (hg19) VCF-style: chr2-54753639-C-T.
Identifiers: ClinVar variation 4982263 (VCV004982263.1).